The following is an entry in ClinVar:

ClinVar aggregate classification (oncogenicity): Uncertain significance (1 of 4 stars; one submission).

Conditions:
Meningioma. Also called: Meningioma, somatic. Identifiers: Orphanet 2495, MedGen C0025286, MONDO:0016642, HP:0002858.

Submission:

Dr. Guy Rouleau's laboratory, McGill University
Classification: Uncertain significance for Meningioma. Last evaluated: 2025-03-30. Review status: criteria provided, single submitter. Criteria: ClinGen/CGC/VICC Guidelines for Oncogenicity, 2022. Collection method: research. Allele origin: somatic. Affected: yes.
Comment: This missense variant, located at position 3158 in the FAT3 gene, results in the substitution of Proline (P), a unique amino acid with a secondary amino group, with Histidine (H), a basic amino acidcharacterized by its imidazole side chain. This somatic variant was identified in a paired tumor-blood sequencing study of meningiomas. It has not been reported in population databases (gnomAD v2.1.1: no frequency). Due to insufficient evidence, the clinical significance of this variant remains unknown.

NM_001367949.2(FAT3):c.9473C>A (p.Pro3158His)

Gene: FAT3 (FAT atypical cadherin 3; plus strand). Cytogenetic location: 11q14.3.
Variant type: single nucleotide variant.
Coding change: c.9473C>A on transcript NM_001367949.2 (MANE Select); coding-DNA position 9473, C replaced by A.
Protein change: p.Pro3158His; replaces proline 3158 with histidine.
Molecular consequence: missense variant.
Genome position (GRCh38, 1-based): chr11:92,810,068, C>A. VCF-style: chr11-92810068-C-A. GRCh37 (hg19) VCF-style: chr11-92543234-C-A.
Other names: c.9473C>A, p.Pro3158His (NM_001008781.3); short protein forms P3158H.
Identifiers: ClinVar variation 3897760 (VCV003897760.1).